The following is an entry in ClinVar:

ClinVar aggregate classification (germline): Conflicting classifications of pathogenicity. Review status: criteria provided, conflicting classifications (1 of 4 stars). 6 submissions from 6 submitters: Uncertain significance (1); Benign (1); Likely benign (4). Last evaluated 2025-11-17.

Conditions:
Hereditary cancer-predisposing syndrome. Also called: Tumor predisposition; Hereditary neoplastic syndrome; Neoplastic Syndromes, Hereditary; Hereditary Cancer Syndrome. Identifiers: Orphanet 140162, MedGen C0027672, MeSH D009386, MONDO:0015356.
Von Hippel-Lindau syndrome (VHLS). Also called: Von Hippel-Lindau; von Hippel–Lindau syndrome; VHL syndrome. Identifiers: Orphanet 892, MedGen C0019562, MONDO:0008667, OMIM 193300. Disease mechanism: loss of function.
Chuvash polycythemia. Also called: POLYCYTHEMIA, VHL-DEPENDENT. Identifiers: Orphanet 238557, MedGen C1837915, MONDO:0009892, OMIM 263400.

Allele frequency attached by ClinVar (database versions not stated): gnomAD 0.00001; TOPMed 0.00001.
gnomAD v4.1: 2 of 1,603,748 alleles (0.00012%); highest among the groups gnomAD compares: Non-Finnish European, 0.00017%; no homozygotes.

Submissions (6):

Labcorp Genetics (formerly Invitae), Labcorp
Classification: Likely benign for Von Hippel-Lindau syndrome; Chuvash polycythemia. Last evaluated: 2025-11-17. Review status: criteria provided, single submitter. Criteria: Invitae Variant Classification Sherloc (09022015). Collection method: clinical testing. Allele origin: germline.

Quest Diagnostics Nichols Institute San Juan Capistrano
Classification: Uncertain significance. Last evaluated: 2025-07-03. Review status: criteria provided, single submitter. Criteria: Quest Diagnostics criteria. Collection method: clinical testing. Allele origin: unknown.

Myriad Genetics, Inc.
Classification: Benign for Von Hippel-Lindau syndrome. Last evaluated: 2025-06-10. Review status: criteria provided, single submitter. Criteria: Myriad Autosomal Dominant, Autosomal Recessive and X-Linked Classification Criteria (2023). Collection method: clinical testing. Allele origin: unknown.
Comment: This variant is considered benign. This variant is a silent/synonymous amino acid change and it is not expected to impact splicing.

All of Us Research Program, National Institutes of Health
Classification: Likely benign for Von Hippel-Lindau syndrome. Last evaluated: 2024-06-17. Review status: criteria provided, single submitter. Criteria: ACMG Guidelines, 2015. Collection method: clinical testing. Allele origin: germline. Inheritance: Autosomal dominant inheritance. Observed: 1 variant allele, 1 heterozygote.
Comment: This study involves interpretation of variants in research participants for the purpose of population health screening. Participant phenotype was not available at the time of variant classification. Additional details can be found in publication PMID: 35346344, PMCID: PMC8962531

Ambry Genetics
Classification: Likely benign for Hereditary cancer-predisposing syndrome. Last evaluated: 2022-12-13. Review status: criteria provided, single submitter. Criteria: Ambry Variant Classification Scheme 2023. Collection method: clinical testing. Allele origin: germline.

Blueprint Genetics
Classification: Likely benign. Last evaluated: 2022-07-07. Review status: criteria provided, single submitter. Criteria: ACMG Guidelines, 2015. Collection method: clinical testing. Allele origin: germline.

NM_000551.4(VHL):c.252G>C (p.Val84=)

Gene: VHL (von Hippel-Lindau tumor suppressor; plus strand). Cytogenetic location: 3p25.3.
Variant type: single nucleotide variant.
Coding change: c.252G>C on transcript NM_000551.4 (MANE Select); coding-DNA position 252, G replaced by C.
Protein change: p.Val84=; no amino-acid change (valine 84 retained).
Molecular consequence: synonymous variant.
Genome position (GRCh38, 1-based): chr3:10,142,099, G>C. VCF-style: chr3-10142099-G-C. GRCh37 (hg19) VCF-style: chr3-10183783-G-C.
Other names: c.252G>C, p.Val84= (NM_001354723.2, NM_198156.3).
Identifiers: ClinVar variation 746562 (VCV000746562.15), dbSNP rs1436342215, ClinGen allele CA432420469.